The following is an entry in ClinVar:

NM_001134363.3(RBM20):c.3269T>C (p.Ile1090Thr)

Gene: RBM20 (RNA binding motif protein 20; plus strand). Cytogenetic location: 10q25.2.
Variant type: single nucleotide variant.
Coding change: c.3269T>C on transcript NM_001134363.3 (MANE Select); coding-DNA position 3269, T replaced by C.
Protein change: p.Ile1090Thr; replaces isoleucine 1090 with threonine.
Molecular consequence: missense variant.
Genome position (GRCh38, 1-based): chr10:110,821,888, T>C. VCF-style: chr10-110821888-T-C. GRCh37 (hg19) VCF-style: chr10-112581646-T-C.
Other names: c.3269T>C (LRG_382t1); short protein forms I1090T.
Identifiers: ClinVar variation 432443 (VCV000432443.2), dbSNP rs1316833587, ClinGen allele CA378382379.

ClinVar aggregate classification (germline): Uncertain significance (1 of 4 stars; one submission).

gnomAD v4.1: 2 of 1,551,556 alleles (0.00013%); highest among the groups gnomAD compares: Non-Finnish European, 0.00017%; no homozygotes.

Submission:

GeneDx
Classification: Uncertain significance. Last evaluated: 2017-06-05. Review status: criteria provided, single submitter. Criteria: GeneDx Variant Classification (06012015). Collection method: clinical testing. Allele origin: germline. Affected: yes.
Comment: A variant of uncertain significance has been identified in the RBM20 gene. The I1090T variant has not been published as pathogenic or been reported as benign to our knowledge. This variant is not observed in large population cohorts (Lek et al., 2016; 1000 Genomes Consortium et al., 2015; Exome Variant Server). The I1090T variant is a non-conservative amino acid substitution, which is likely to impact secondary protein structure as these residues differ in polarity, charge, size and/or other properties. However, this substitution occurs at a position that is not conserved across species and where threonine is present as the wild type in several species. Finally, in silico analysis predicts this variant likely does not alter the protein structure/function.